The following is an entry in ClinVar:

NM_012470.4(TNPO3):c.308T>C (p.Val103Ala)

Gene: TNPO3 (transportin 3; minus strand). Cytogenetic location: 7q32.1.
Variant type: single nucleotide variant.
Coding change: c.308T>C on transcript NM_012470.4 (MANE Select); coding-DNA position 308, T replaced by C.
Protein change: p.Val103Ala; replaces valine 103 with alanine.
Molecular consequence: missense variant. On other transcripts: non-coding transcript variant (18).
Genome position (GRCh38, 1-based): chr7:129,017,970, A>G on the plus strand (T>C on the coding strand, the complement: TNPO3 is on the minus strand). VCF-style: chr7-129017970-A-G. GRCh37 (hg19) VCF-style: chr7-128658024-A-G.
Other names: c.308T>C, p.Val103Ala (NM_001191028.3, NM_001382216.1, NM_001382217.1 and 6 more transcripts); short protein forms V103A.
Identifiers: ClinVar variation 1025163 (VCV001025163.9), dbSNP rs1804036136, ClinGen allele CA369248165.

ClinVar aggregate classification (germline): Uncertain significance (1 of 4 stars; one submission).

Conditions:
Autosomal dominant limb-girdle muscular dystrophy type 1F (LGMDD2). Also called: MUSCULAR DYSTROPHY, LIMB-GIRDLE, AUTOSOMAL DOMINANT 2; Limb-girdle muscular dystrophy, type 1F. Identifiers: Orphanet 55595, MedGen C1842062, MONDO:0012034, OMIM 608423.

Allele frequency attached by ClinVar (database versions not stated): gnomAD exomes below 0.00001.
gnomAD v4.1: 1 of 1,614,110 alleles (0.000062%); highest among the groups gnomAD compares: Non-Finnish European, 0.000085%; no homozygotes.

Submission:

Labcorp Genetics (formerly Invitae), Labcorp
Classification: Uncertain significance for Autosomal dominant limb-girdle muscular dystrophy type 1F. Last evaluated: 2024-12-16. Review status: criteria provided, single submitter. Criteria: Invitae Variant Classification Sherloc (09022015). Collection method: clinical testing. Allele origin: germline.
Comment: This sequence change replaces valine, which is neutral and non-polar, with alanine, which is neutral and non-polar, at codon 103 of the TNPO3 protein (p.Val103Ala). This variant is not present in population databases (gnomAD no frequency). This variant has not been reported in the literature in individuals affected with TNPO3-related conditions. ClinVar contains an entry for this variant (Variation ID: 1025163). Invitae Evidence Modeling of protein sequence and biophysical properties (such as structural, functional, and spatial information, amino acid conservation, physicochemical variation, residue mobility, and thermodynamic stability) indicates that this missense variant is not expected to disrupt TNPO3 protein function with a negative predictive value of 80%. In summary, the available evidence is currently insufficient to determine the role of this variant in disease. Therefore, it has been classified as a Variant of Uncertain Significance.